The following is an entry in ClinVar:

NM_001159773.2(CANT1):c.*964A>G

Gene: CANT1 (calcium activated nucleotidase 1; minus strand). Cytogenetic location: 17q25.3.
Variant type: single nucleotide variant.
Coding change: c.*964A>G on transcript NM_001159773.2 (MANE Select); 964 bases downstream of the stop codon, A replaced by G.
Molecular consequence: 3 prime UTR variant.
Genome position (GRCh38, 1-based): chr17:78,992,586, T>C on the plus strand (A>G on the coding strand, the complement: CANT1 is on the minus strand). VCF-style: chr17-78992586-T-C. GRCh37 (hg19) VCF-style: chr17-76988668-T-C.
Other names: c.*964A>G (NM_001159772.2, NM_138793.4).
Identifiers: ClinVar variation 325678 (VCV000325678.6), dbSNP rs75126416, ClinGen allele CA8808422.

ClinVar aggregate classification (germline): Benign. Review status: criteria provided, multiple submitters, no conflicts (2 of 4 stars). 2 submissions from 2 submitters: Benign (2). Last evaluated 2018-01-13.

Conditions:
Desbuquois dysplasia 1 (DBQD1). Also called: MICROMELIC DWARFISM WITH VERTEBRAL AND METAPHYSEAL ABNORMALITIES AND ADVANCED CARPOTARSAL OSSIFICATION; DESBUQUOIS DYSPLASIA 1, KIM VARIANT. Identifiers: Orphanet 1425, MedGen C4012146, MONDO:0009629, OMIM 251450.

Allele frequency attached by ClinVar (database versions not stated): gnomAD exomes 0.02364 and 0.02641; 1000 Genomes Project 30x 0.03248; gnomAD 0.03281 and 0.03342; 1000 Genomes Project 0.03375; TOPMed 0.03422; ExAC 0.05031.
gnomAD v4.1: 13,218 of 460,682 alleles (2.9%); highest among the groups gnomAD compares: African/African-American, 4.5%; 231 homozygotes.

Submissions (2):

Illumina Laboratory Services, Illumina
Classification: Benign for Desbuquois dysplasia 1. Last evaluated: 2018-01-13. Review status: criteria provided, single submitter. Criteria: ICSL Variant Classification Criteria 13 December 2019. Collection method: clinical testing. Allele origin: germline.
Comment: This variant was observed in the ICSL laboratory as part of a predisposition screen in an ostensibly healthy population. It had not been previously curated by ICSL or reported in the Human Gene Mutation Database (HGMD: prior to June 1st, 2018), and was therefore a candidate for classification through an automated scoring system. Utilizing variant allele frequency, disease prevalence and penetrance estimates, and inheritance mode, an automated score was calculated to assess if this variant is too frequent to cause the disease. Based on the score and internal cut-off values, a variant classified as benign is not then subjected to further curation. The score for this variant resulted in a classification of benign for this disease.

Breakthrough Genomics
Classification: Benign. Review status: criteria provided, single submitter. Criteria: ACMG Guidelines, 2015. Collection method: not provided. Allele origin: germline. Inheritance: Autosomal recessive inheritance. Affected: yes.